The following is an entry in ClinVar:

ClinVar aggregate classification (germline): Likely benign (0 of 4 stars; one submission).

Conditions:
MADD-related disorder. Also called: MADD-Related Disorders; MADD-related condition.

gnomAD v4.1: 35 of 1,614,068 alleles (0.0022%); highest among the groups gnomAD compares: Middle Eastern, 0.016%; no homozygotes.

Submission:

PreventionGenetics, part of Exact Sciences
Classification: Likely benign for MADD-related condition. Last evaluated: 2019-06-07. Review status: no assertion criteria provided. Collection method: clinical testing. Allele origin: germline.
Comment: This variant is classified as likely benign based on ACMG/AMP sequence variant interpretation guidelines (Richards et al. 2015 PMID: 25741868, with internal and published modifications).

NM_001376571.1(MADD):c.267G>A (p.Thr89=)

Gene: MADD (MAP kinase activating death domain; plus strand). Cytogenetic location: 11p11.2.
Variant type: single nucleotide variant.
Coding change: c.267G>A on transcript NM_001376571.1 (MANE Select); coding-DNA position 267, G replaced by A.
Protein change: p.Thr89=; no amino-acid change (threonine 89 retained).
Molecular consequence: synonymous variant. On other transcripts: non-coding transcript variant (8), intron variant (1).
Genome position (GRCh38, 1-based): chr11:47,274,767, G>A. VCF-style: chr11-47274767-G-A. GRCh37 (hg19) VCF-style: chr11-47296318-G-A.
Other names: c.267G>A, p.Thr89= (NM_001135943.2, NM_001135944.2, NM_001376572.1 and 80 more transcripts); c.63G>A, p.Thr21= (NM_001376627.1, NM_001376635.1, NM_001376644.1 and 9 more transcripts); c.-7-1132G>A (NM_001376663.1).
Identifiers: ClinVar variation 3350432 (VCV003350432.1).